The following is an entry in ClinVar:

ClinVar aggregate classification (germline): Uncertain significance (1 of 4 stars; one submission).

Submission:

Ambry Genetics
Classification: Uncertain significance. Last evaluated: 2024-05-24. Review status: criteria provided, single submitter. Criteria: Ambry Variant Classification Scheme 2023. Collection method: clinical testing. Allele origin: germline.
Comment: The p.Y141C variant (also known as c.422A>G), located in coding exon 4 of the BUB3 gene, results from an A to G substitution at nucleotide position 422. The tyrosine at codon 141 is replaced by cysteine, an amino acid with highly dissimilar properties. This amino acid position is conserved. In addition, this alteration is predicted to be deleterious by in silico analysis. Based on the available evidence, the clinical significance of this variant remains unclear.

NM_004725.4(BUB3):c.422A>G (p.Tyr141Cys)

Gene: BUB3 (BUB3 mitotic checkpoint protein; plus strand). Cytogenetic location: 10q26.13.
Variant type: single nucleotide variant.
Coding change: c.422A>G on transcript NM_004725.4 (MANE Select); coding-DNA position 422, A replaced by G.
Protein change: p.Tyr141Cys; replaces tyrosine 141 with cysteine.
Molecular consequence: missense variant.
Genome position (GRCh38, 1-based): chr10:123,160,411, A>G. VCF-style: chr10-123160411-A-G. GRCh37 (hg19) VCF-style: chr10-124919927-A-G.
Other names: c.422A>G, p.Tyr141Cys (NM_001007793.3); short protein forms Y141C.
Identifiers: ClinVar variation 3262296 (VCV003262296.1).